The following is an entry in ClinVar:

NM_001252.5(CD70):c.437G>T (p.Ser146Ile)

Gene: CD70 (CD70 molecule; minus strand). Cytogenetic location: 19p13.3.
Variant type: single nucleotide variant.
Coding change: c.437G>T on transcript NM_001252.5 (MANE Select); coding-DNA position 437, G replaced by T.
Protein change: p.Ser146Ile; replaces serine 146 with isoleucine.
Molecular consequence: missense variant.
Genome position (GRCh38, 1-based): chr19:6,586,165, C>A on the plus strand (G>T on the coding strand, the complement: CD70 is on the minus strand). VCF-style: chr19-6586165-C-A. GRCh37 (hg19) VCF-style: chr19-6586176-C-A.
Other names: NC_000019.9:g.6586176C>A; c.437G>T, p.Ser146Ile (NM_001330332.2); c.437G>T (NM_001252.4); short protein forms S146I.
Identifiers: ClinVar variation 4446396 (VCV004446396.3).

ClinVar aggregate classification (germline): Uncertain significance. Review status: criteria provided, multiple submitters, no conflicts (2 of 4 stars). 2 submissions from 2 submitters: Uncertain significance (2). Last evaluated 2025-05-13.

gnomAD v4.1: 770 of 1,614,138 alleles (0.048%); highest among the groups gnomAD compares: Non-Finnish European, 0.061%; 1 homozygote.

Submissions (3):

GeneDx
Classification: Uncertain significance. Last evaluated: 2025-05-13. Review status: criteria provided, single submitter. Criteria: GeneDx Variant Classification Process June 2021. Collection method: clinical testing. Allele origin: germline. Affected: yes.
Comment: In silico analysis supports that this missense variant has a deleterious effect on protein structure/function; This variant is associated with the following publications: (PMID: 32603431)

Blueprint Genetics
Classification: Uncertain significance. Last evaluated: 2024-10-03. Review status: criteria provided, single submitter. Criteria: ACMG Guidelines, 2015. Collection method: clinical testing. Allele origin: germline.

Dr. Peter K. Rogan Lab, Western University
No classification provided (evidence only). Condition: Thyroid cancer, nonmedullary, 1. Review status: no classification provided. Collection method: in vitro. Allele origin: not applicable. Functional consequence: retained intron. Not counted in ClinVar's aggregate classification.